The following is an entry in ClinVar:

ClinVar aggregate classification (germline): Uncertain significance. Review status: criteria provided, multiple submitters, no conflicts (2 of 4 stars). 3 submissions from 3 submitters: Uncertain significance (3). Last evaluated 2025-05-07.

Conditions:
Primary ciliary dyskinesia. Also called: Ciliary dyskinesia. Identifiers: Orphanet 244, MedGen C0008780, MONDO:0016575, HP:0012265.
Primary ciliary dyskinesia 11. Also called: CILIARY DYSKINESIA, PRIMARY, 11, WITHOUT SITUS INVERSUS. Identifiers: Orphanet 244, MedGen C2675229, MONDO:0012978, OMIM 612649.

Allele frequency attached by ClinVar (database versions not stated): TOPMed 0.00006; gnomAD 0.00007 and 0.00008; ESP Exome Variant Server 0.00008; ExAC 0.00009; gnomAD exomes 0.00009.
gnomAD v4.1: 257 of 1,614,048 alleles (0.016%); highest among the groups gnomAD compares: Non-Finnish European, 0.02%; no homozygotes.

Submissions (3):

Ambry Genetics
Classification: Uncertain significance for Primary ciliary dyskinesia. Last evaluated: 2025-05-07. Review status: criteria provided, single submitter. Criteria: Ambry Variant Classification Scheme 2023. Collection method: clinical testing. Allele origin: germline.

Labcorp Genetics (formerly Invitae), Labcorp
Classification: Uncertain significance for Primary ciliary dyskinesia. Last evaluated: 2022-07-14. Review status: criteria provided, single submitter. Criteria: Invitae Variant Classification Sherloc (09022015). Collection method: clinical testing. Allele origin: germline.
Comment: This sequence change replaces glycine, which is neutral and non-polar, with aspartic acid, which is acidic and polar, at codon 425 of the RSPH4A protein (p.Gly425Asp). This variant is present in population databases (rs371882096, gnomAD 0.02%). This variant has not been reported in the literature in individuals affected with RSPH4A-related conditions. ClinVar contains an entry for this variant (Variation ID: 845135). Algorithms developed to predict the effect of missense changes on protein structure and function are either unavailable or do not agree on the potential impact of this missense change (SIFT: "Deleterious"; PolyPhen-2: "Probably Damaging"; Align-GVGD: "Class C0"). In summary, the available evidence is currently insufficient to determine the role of this variant in disease. Therefore, it has been classified as a Variant of Uncertain Significance.

Revvity Omics, Revvity
Classification: Uncertain significance for Primary ciliary dyskinesia 11. Last evaluated: 2019-05-06. Review status: criteria provided, single submitter. Criteria: ACMG Guidelines, 2015. Collection method: clinical testing. Allele origin: germline.

NM_001010892.3(RSPH4A):c.1274G>A (p.Gly425Asp)

Gene: RSPH4A (radial spoke head component 4A; plus strand). Cytogenetic location: 6q22.1.
Variant type: single nucleotide variant.
Coding change: c.1274G>A on transcript NM_001010892.3 (MANE Select); coding-DNA position 1274, G replaced by A.
Protein change: p.Gly425Asp; replaces glycine 425 with aspartic acid.
Molecular consequence: missense variant.
Genome position (GRCh38, 1-based): chr6:116,627,981, G>A. VCF-style: chr6-116627981-G-A. GRCh37 (hg19) VCF-style: chr6-116949144-G-A.
Other names: c.1274G>A, p.Gly425Asp (NM_001161664.2); short protein forms G425D.
Identifiers: ClinVar variation 845135 (VCV000845135.12), dbSNP rs371882096, ClinGen allele CA3970919.